The following is an entry in ClinVar:

NM_012281.3(KCND2):c.752C>T (p.Ala251Val)

Gene: KCND2 (potassium voltage-gated channel subfamily D member 2; plus strand). Cytogenetic location: 7q31.31.
Variant type: single nucleotide variant.
Coding change: c.752C>T on transcript NM_012281.3 (MANE Select); coding-DNA position 752, C replaced by T.
Protein change: p.Ala251Val; replaces alanine 251 with valine.
Molecular consequence: missense variant.
Genome position (GRCh38, 1-based): chr7:120,275,384, C>T. VCF-style: chr7-120275384-C-T. GRCh37 (hg19) VCF-style: chr7-119915438-C-T.
Other names: short protein forms A251V.
Identifiers: ClinVar variation 2696469 (VCV002696469.3), dbSNP rs2546907521, ClinGen allele CA369132307.

ClinVar aggregate classification (germline): Uncertain significance (1 of 4 stars; one submission).

Conditions:
Early Myoclonic Encephalopathy. Identifiers: MedGen C0270855.

Submission:

Labcorp Genetics (formerly Invitae), Labcorp
Classification: Uncertain significance for Early Myoclonic Encephalopathy. Last evaluated: 2023-11-17. Review status: criteria provided, single submitter. Criteria: Invitae Variant Classification Sherloc (09022015). Collection method: clinical testing. Allele origin: germline.
Comment: This sequence change replaces alanine, which is neutral and non-polar, with valine, which is neutral and non-polar, at codon 251 of the KCND2 protein (p.Ala251Val). This variant is not present in population databases (gnomAD no frequency). This variant has not been reported in the literature in individuals affected with KCND2-related conditions. Advanced modeling of protein sequence and biophysical properties (such as structural, functional, and spatial information, amino acid conservation, physicochemical variation, residue mobility, and thermodynamic stability) has been performed at Invitae for this missense variant, however the output from this modeling did not meet the statistical confidence thresholds required to predict the impact of this variant on KCND2 protein function. In summary, the available evidence is currently insufficient to determine the role of this variant in disease. Therefore, it has been classified as a Variant of Uncertain Significance.